The following is an entry in ClinVar:

NM_003060.4(SLC22A5):c.1514dup (p.Thr506fs)

Gene: SLC22A5 (solute carrier family 22 member 5; plus strand). Cytogenetic location: 5q31.1.
Variant type: Duplication.
Coding change: c.1514dup on transcript NM_003060.4 (MANE Select); coding-DNA position 1514, one base duplicated (T; older notation c.1514dupT).
Protein change: p.Thr506fs; shifts the reading frame from threonine 506.
Molecular consequence: frameshift variant.
Genome position (GRCh38, 1-based): chr5:132,393,739, T duplicated. VCF-style (leftmost placement, unchanged base first): chr5-132393738-C-CT. GRCh37 (hg19) VCF-style: chr5-131729430-C-CT.
Other names: c.1586dup, p.Thr530fs (NM_001308122.2); short protein forms T530fs, T506fs.
Identifiers: ClinVar variation 4729671 (VCV004729671.1).

ClinVar aggregate classification (germline): Pathogenic (1 of 4 stars; one submission).

Conditions:
Renal carnitine transport defect (CDSP). Also called: Systemic primary carnitine deficiency disease; Primary carnitine deficiency; Systemic primary carnitine deficiency; CARNITINE DEFICIENCY, SYSTEMIC, DUE TO DEFECT IN RENAL REABSORPTION OF CARNITINE; CARNITINE TRANSPORTER, PLASMA-MEMBRANE, DEFICIENCY OF; CARNITINE UPTAKE DEFECT. Identifiers: Orphanet 158, MedGen C0342788, MONDO:0008919, OMIM 212140.

Submission:

Labcorp Genetics (formerly Invitae), Labcorp
Classification: Pathogenic for Renal carnitine transport defect. Last evaluated: 2025-12-09. Review status: criteria provided, single submitter. Criteria: Invitae Variant Classification Sherloc (09022015). Collection method: clinical testing. Allele origin: germline.
Comment: This sequence change creates a premature translational stop signal (p.Thr506Hisfs*17) in the SLC22A5 gene. While this is not anticipated to result in nonsense mediated decay, it is expected to disrupt the last 52 amino acid(s) of the SLC22A5 protein. This variant is not present in population databases (gnomAD no frequency). This premature translational stop signal has been observed in individual(s) with a positive newborn screening result for SLC22A5-related disease (internal data). This variant disrupts a region of the SLC22A5 protein in which other variant(s) (p.Ile521Hisfs*3) have been determined to be pathogenic (PMID: 17126586). This suggests that this is a clinically significant region of the protein, and that variants that disrupt it are likely to be disease-causing. For these reasons, this variant has been classified as Pathogenic.

Literature cited by the submitters: PubMed 17126586.